The following is an entry in ClinVar:

NM_006924.5(SRSF1):c.289C>T (p.Arg97Ter)

Genes: SRSF1 (serine and arginine rich splicing factor 1; minus strand), LOC130061266 (ATAC-STARR-seq lymphoblastoid active region 12458; plus strand). Cytogenetic location: 17q22.
Variant type: single nucleotide variant.
Coding change: c.289C>T on transcript NM_006924.5 (MANE Select); coding-DNA position 289, C replaced by T.
Protein change: p.Arg97Ter; replaces arginine 97 with a stop codon.
Molecular consequence: nonsense. On other transcripts: non-coding transcript variant (1).
Genome position (GRCh38, 1-based): chr17:58,006,433, G>A on the plus strand (C>T on the coding strand, the complement: SRSF1 is on the minus strand). VCF-style: chr17-58006433-G-A. GRCh37 (hg19) VCF-style: chr17-56083794-G-A.
Other names: c.289C>T, p.Arg97Ter (NM_001078166.2); short protein forms R97*.
Identifiers: ClinVar variation 488950 (VCV000488950.2), dbSNP rs1555575855, ClinGen allele CA399946399.

ClinVar aggregate classification (germline): Uncertain significance (1 of 4 stars; one submission).

Submission:

GeneDx
Classification: Uncertain significance. Last evaluated: 2016-10-21. Review status: criteria provided, single submitter. Criteria: GeneDx Variant Classification (06012015). Collection method: clinical testing. Allele origin: germline. Affected: yes.
Comment: The R97X variant in the SRSF1 gene has not been reported previously as a pathogenic variant nor as a benign variant, to our knowledge. This variant is predicted to cause loss of normal protein function either through protein truncation or nonsense-mediated mRNA decay. The R97X variant was not observed in approximately 6,500 individuals of European and African American ancestry in the NHLBI Exome Sequencing Project, indicating it is not a common benign variant in these populations. We interpret R97X as a variant of uncertain significance.